The following is an entry in ClinVar:

NM_007294.4(BRCA1):c.5359_5363delinsAGTGA (p.Cys1787_Gly1788delinsSerAsp)

Gene: BRCA1 (BRCA1 DNA repair associated; minus strand). Cytogenetic location: 17q21.31.
Variant type: Indel.
Coding change: c.5359_5363delinsAGTGA on transcript NM_007294.4 (MANE Select); coding-DNA positions 5359 to 5363, TGTGG replaced by AGTGA.
Protein change: p.Cys1787_Gly1788delinsSerAsp.
Molecular consequence: missense variant. On other transcripts: non-coding transcript variant (1), intron variant (1).
Genome position (GRCh38, 1-based): chr17:43,049,164-43,049,168, CCACA replaced by TCACT on the plus strand (TGTGG replaced by AGTGA on the coding strand, the reverse complement: BRCA1 is on the minus strand). VCF-style: chr17-43049164-CCACA-TCACT. GRCh37 (hg19) VCF-style: chr17-41201181-CCACA-TCACT.
Other names: c.5146_5150delTGTGGinsAGTGA, p.Cys1716_Gly1717delinsSerAsp (NM_001407571.1, NM_001407894.1, NM_001407895.1 and 12 more transcripts); c.5425_5429delTGTGGinsAGTGA, p.Cys1809_Gly1810delinsSerAsp (NM_001407581.1, NM_001407582.1); c.5422_5426delTGTGGinsAGTGA, p.Cys1808_Gly1809delinsSerAsp (NM_001407583.1, NM_001407585.1, NM_001407587.1); c.5419_5423delTGTGGinsAGTGA, p.Cys1807_Gly1808delinsSerAsp (NM_001407590.1, NM_001407591.1); c.5359_5363delTGTGGinsAGTGA, p.Cys1787_Gly1788delinsSerAsp (NM_001407593.1, NM_001407594.1, NM_001407596.1 and 5 more transcripts); c.5356_5360delTGTGGinsAGTGA, p.Cys1786_Gly1787delinsSerAsp (NM_001407610.1, NM_001407611.1, NM_001407612.1 and 14 more transcripts); c.1915_1919delTGTGGinsAGTGA, p.Cys639_Gly640delinsSerAsp (NM_001408451.1); c.1909_1913delTGTGGinsAGTGA, p.Cys637_Gly638delinsSerAsp (NM_001408452.1, NM_001408453.1, NM_001408454.1 and 3 more transcripts); and 75 more.
Identifiers: ClinVar variation 187349 (VCV000187349.61), dbSNP rs786203663, ClinGen allele CA003524.

ClinVar aggregate classification (germline): Pathogenic. Review status: reviewed by expert panel (3 of 4 stars). 7 submissions from 7 submitters: Pathogenic (1). 6 of the submissions do not count toward it. Last evaluated 2019-03-25.

Conditions:
Hereditary breast ovarian cancer syndrome. Also called: Hereditary breast and ovarian cancer syndrome; Hereditary breast and ovarian cancer syndrome (HBOC); BRCA1- and BRCA2-Associated Hereditary Breast and Ovarian Cancer; Breast and ovarian cancer; Hereditary breast and ovarian cancer; Hereditary breast and/or ovarian cancer syndrome. Identifiers: Orphanet 145, MedGen C0677776, MeSH D061325, MONDO:0003582. Disease mechanism: loss of function.
Hereditary cancer-predisposing syndrome. Also called: Hereditary Cancer Syndrome; Hereditary neoplastic syndrome; Tumor predisposition; Neoplastic Syndromes, Hereditary. Identifiers: Orphanet 140162, MedGen C0027672, MeSH D009386, MONDO:0015356.
Breast-ovarian cancer, familial, susceptibility to, 1 (BROVCA1). Also called: OVARIAN CANCER, SUSCEPTIBILITY TO; BRCA1 Hereditary Breast and Ovarian Cancer. Identifiers: Orphanet 145, MedGen C2676676, MONDO:0011450, OMIM 604370. Disease mechanism: loss of function.

Submissions 1 to 4 of 7:

Evidence-based Network for the Interpretation of Germline Mutant Alleles (ENIGMA)
Classification: Pathogenic for Breast-ovarian cancer, familial, susceptibility to, 1. Last evaluated: 2019-03-25. Review status: reviewed by expert panel. Criteria: ENIGMA BRCA1/2 Classification Criteria (2017-06-29). Collection method: curation. Allele origin: germline.
Comment: IARC class based on posterior probability from multifactorial likelihood analysis, thresholds for class as per Plon et al. 2008 (PMID: 18951446). Class 5 Pathogenic based on posterior probability = 0.999. Clinical evidence used in the multifactorial likelihood analysis is from Goldgar et al 2004 (PMID: 15290653). According to current HGVS guidelines this variant should be written as c.[5359T>A;5363G>A] (Variation ID 624568). Some pipelines may detect BRCA1 c.5359_5363delinsAGTGA as two single nucleotide variants, c.5359T>A (Variation ID 55548) and c.5363G>A (Variation ID 55551). Analysis of the c.[5359T>A;5363G>A] haplotype by a calibrated functional assay in Fernandes et al 2019 (PMID: 30765603) suggests that the protein will have abrogated function, supporting the clinical results. These clinical and functional data are only applicable when this delins event is detected, or both missense variants are observed in cis.

Ambry Genetics
Classification: Pathogenic for Hereditary cancer-predisposing syndrome. Last evaluated: 2025-07-07. Review status: criteria provided, single submitter. Criteria: Ambry Variant Classification Scheme 2023. Collection method: clinical testing. Allele origin: germline. Not counted in ClinVar's aggregate classification.
Comment: The c.5359_5363delTGTGGinsAGTGA pathogenic mutation (also known as p.C1787_G1788delinsSD) is located in coding exon 20 of the BRCA1 gene. This variant results from an in-frame deletion of TGTGG and insertion of AGTGA at nucleotide positions 5359 to 5363. This results in the deletion of cysteine and glycine residues and insertion of serine and aspartic acid at codons 1787 and 1788. This mutation has been reported as two different mutations occurring in cis in the literature and is also known as c.[5359T>A; 5363G>A] and p.[C1787S; G1788D]. This alteration occurs within the H-Bonded turn of the BRCT domain of the BRCA1 protein, a domain that is critical for cell cycle regulation and DNA repair, and has been reported in several families with breast and ovarian cancer (Goldgar DE et al. Am. J. Hum. Genet. Oct 2004;75:535&ndash;44; Dean M et al. Gigascience. 2015 Nov;4:50; Weitzel JN et al. J. Clin. Oncol. 2013 Jan;31:210-6; Torres-Meija G et al. Cancer Epidemiol. Biomarkers Prev. 2015 Mar;24:498-505; Nahleh Z et al. Am J Cancer Res. 2015 Dec;5:466-71). The p.C1787S pathogenic mutation and p.G1788D pathogenic mutation have both been shown to reduce transactivation activity in yeast and mammalian cell in vitro studies (Karchin R et al. PLoS Comput. Biol. 2007 Feb;3:e26; Carvalho MA et al. Cancer Res. 2007 Feb;67:1494-501). Other functional assays demonstrated that variants p.C1787S and p.G1788D separately had no significant impact, but that their presence in the same construct significantly impaired transactivation activity levels of the BRCA1 protein (Woods NT et al. NPJ Genom Med. 2016 Mar;1:16001; Findlay GM et al. Nature. 2018 10;562:217-222). This amino acid region is highly conserved in available vertebrate species. In addition, the in silico prediction for this alteration is inconclusive (Choi Y et al. PLoS ONE. 2012; 7(10):e46688). Based on the supporting evidence, this alteration is interpreted as a disease-causing mutation.

Labcorp Genetics (formerly Invitae), Labcorp
Classification: Pathogenic for Hereditary breast ovarian cancer syndrome. Last evaluated: 2023-12-24. Review status: criteria provided, single submitter. Criteria: Invitae Variant Classification Sherloc (09022015). Collection method: clinical testing. Allele origin: germline. Not counted in ClinVar's aggregate classification.
Comment: This sequence change deletes 5 nucleotides and inserts 5 different nucleotides in exon 21 of the BRCA1 mRNA (c.5359_5363delinsAGTGA). This results in the replacement of 2 adjacent amino acids at codons 1787 and 1788 with 2 different amino acids (p.Cys1787_Gly1788delinsSerAsp). Information on the frequency of this variant in the gnomAD database is not available, as this variant may be reported differently in the database. This variant has been observed in individual(s) with a personal or family history of breast and/or ovarian cancer (PMID: 16030099, 26543556). It is commonly reported in individuals of Hispanic or Mexican ancestry (PMID: 23233716). This variant is also known as two separate missense variants in cis (Cys1787Ser and Gly1788Asp). ClinVar contains an entry for this variant (Variation ID: 187349). Advanced modeling of protein sequence and biophysical properties (such as structural, functional, and spatial information, amino acid conservation, physicochemical variation, residue mobility, and thermodynamic stability) performed at Invitae indicates that this missense variant is expected to disrupt BRCA1 protein function with a positive predictive value of 95%. Experimental studies have examined each missense change independent of each other, but not in the context of occurring together in cis. Nevertheless, these studies have shown that while the p.Cys1787Ser substitution does not alter protein function (PMID: 20378548, 20516115), the p.Gly1788Asp substitution has a deleterious impact on BRCA1 protein function including altered protein folding, reduced transactivation, reduced homologous recombination activity, and a reduced DNA repair response (PMID: 17305420, 25748678, 20378548, 17308087). This variant disrupts the BRCT domain, which is important for DNA repair activity (PMID: 11573086, 14576433, 15133503, 25652403). While functional studies have not been performed to directly test the effect of this variant on BRCA1 protein function, this suggests that disruption of this region of the protein is causative of disease. This variant disrupts the p.Gly1788 amino acid residue in BRCA1. Other variant(s) that disrupt this residue have been determined to be pathogenic (PMID: 9796975, 14534301, 15689452, 16267036, 18512148, 20516115, 21614564, 26689913). This suggests that this residue is clinically significant, and that variants that disrupt this residue are likely to be disease-causing. For these reasons, this variant has been classified as Pathogenic.

Color Diagnostics, LLC DBA Color Health
Classification: Pathogenic for Hereditary cancer-predisposing syndrome. Last evaluated: 2023-04-24. Review status: criteria provided, single submitter. Criteria: ACMG Guidelines, 2015. Collection method: clinical testing. Allele origin: germline. Not counted in ClinVar's aggregate classification.
Comment: This multinucleotide variant results in the replacement of cysteine with serine at codon 1787 and glycine with aspartic acid at codon 1788 of the BRCA1 protein. This variant is also known as a haplotype c.[5359T>A;5363G>A] and p.[Cys1787Ser;Gly1788Asp]. Computational predictions for the two constituent missense variants suggest that each missense variant may independently have deleterious impact on protein structure and function (internally defined REVEL score threshold >= 0.7, PMID: 27666373). Functional studies have reported that two missense variants in cis disrupt BRCA1 function in transcription activation assay (PMID: 28781887, 30765603). This variant has been observed in several individuals and families affected with breast and/or ovarian cancer (PMID: 16030099, 18284688, 23233716, 25628955, 26543556, 28959512), and one study has reported that the variants in cis segregate with disease in families with an odds of pathogenicity of 1694:1 (PMID: 15290653). Other missense variants at codon 1788 (ClinVar variation ID: 37660, 55550, 531438) and codon 1787 (ClinVar variation ID: 662455) are considered likely disease-causing, suggesting that Glycine 1788 and Cysteine 1787 are important for the protein function. This variant has not been identified in the general population by the Genome Aggregation Database (gnomAD). Based on the available evidence, this variant is classified as Pathogenic.